The following is an entry in ClinVar:

ClinVar aggregate classification (germline): Conflicting classifications of pathogenicity. Review status: criteria provided, conflicting classifications (1 of 4 stars). 6 submissions from 6 submitters: Uncertain significance (1); Benign (2); Likely benign (2). 1 of the submissions does not count toward it. Last evaluated 2025-12-02.

Conditions:
PNPLA6-related disorder. Also called: PNPLA6-related disorders; PNPLA6-related condition.
Hereditary spastic paraplegia 39 (SPG39). Also called: SPASTIC PARAPLEGIA 39, AUTOSOMAL RECESSIVE; Spastic Paraplegia Type 39 (SPG39). Identifiers: Orphanet 139480, MedGen C2677586, MONDO:0012787, OMIM 612020.

Allele frequency attached by ClinVar (database versions not stated): gnomAD exomes 0.00049; ExAC 0.00051; 1000 Genomes Project 30x 0.00094; 1000 Genomes Project 0.00100; gnomAD 0.00160 and 0.00174; ESP Exome Variant Server 0.00169; TOPMed 0.00212.
gnomAD v4.1: 517 of 1,613,712 alleles (0.032%); highest among the groups gnomAD compares: African/African-American, 0.55%; 3 homozygotes.

Submissions (6):

Labcorp Genetics (formerly Invitae), Labcorp
Classification: Benign for Hereditary spastic paraplegia 39. Last evaluated: 2025-12-02. Review status: criteria provided, single submitter. Criteria: Invitae Variant Classification Sherloc (09022015). Collection method: clinical testing. Allele origin: germline.

Blueprint Genetics
Classification: Likely benign. Last evaluated: 2024-07-04. Review status: criteria provided, single submitter. Criteria: ACMG Guidelines, 2015. Collection method: clinical testing. Allele origin: germline.

Athena Diagnostics
Classification: Benign. Last evaluated: 2023-12-20. Review status: criteria provided, single submitter. Criteria: Athena Diagnostics Criteria. Collection method: clinical testing. Allele origin: unknown.

GeneDx
Classification: Uncertain significance. Last evaluated: 2023-12-08. Review status: criteria provided, single submitter. Criteria: GeneDx Variant Classification Process June 2021. Collection method: clinical testing. Allele origin: germline. Affected: yes.
Comment: Has not been previously published as pathogenic or benign to our knowledge; In silico analysis suggests this variant may impact gene splicing. In the absence of RNA/functional studies, the actual effect of this sequence change is unknown.

Women's Health and Genetics/Laboratory Corporation of America, LabCorp
Classification: Likely benign. Last evaluated: 2023-12-04. Review status: criteria provided, single submitter. Criteria: LabCorp Variant Classification Summary - May 2015. Collection method: clinical testing. Allele origin: germline.

PreventionGenetics, part of Exact Sciences
Classification: Likely benign for PNPLA6-related condition. Last evaluated: 2020-01-22. Review status: no assertion criteria provided. Collection method: clinical testing. Allele origin: germline. Not counted in ClinVar's aggregate classification.
Comment: This variant is classified as likely benign based on ACMG/AMP sequence variant interpretation guidelines (Richards et al. 2015 PMID: 25741868, with internal and published modifications).

NM_001166114.2(PNPLA6):c.3234C>T (p.Asn1078=)

Gene: PNPLA6 (patatin like domain 6, lysophospholipase; plus strand). Cytogenetic location: 19p13.2.
Variant type: single nucleotide variant.
Coding change: c.3234C>T on transcript NM_001166114.2 (MANE Select); coding-DNA position 3234, C replaced by T.
Protein change: p.Asn1078=; no amino-acid change (asparagine 1078 retained).
Molecular consequence: synonymous variant.
Genome position (GRCh38, 1-based): chr19:7,556,678, C>T. VCF-style: chr19-7556678-C-T. GRCh37 (hg19) VCF-style: chr19-7621564-C-T.
Other names: c.3264C>T (NM_001166111.1); c.3264C>T, p.Asn1088= (NM_001166111.2); c.3039C>T, p.Asn1013= (NM_001166112.2); c.3120C>T, p.Asn1040= (NM_001166113.1, NM_006702.5).
Identifiers: ClinVar variation 696995 (VCV000696995.19), dbSNP rs148831568, ClinGen allele CA9140384.
Genomic context (GRCh38, chr19:7,556,678, plus strand): 5'-CCCTGCTCCTCCCCCACCTCGATCCCTGTCCCCGCAGGACCTGTGGCTGCCTTACTTCAA[C>T]GTGACCACAGATATCACCGCCTCAGCCATGCGAGTCCACAAAGATGGTGGGTGTCCCCGC-3'
Protein context (NP_001159586.1, residues 1068-1088): QIEDLWLPYF[Asn1078=]VTTDITASAM